The following is an entry in ClinVar:

NM_182914.3(SYNE2):c.16631A>C (p.Gln5544Pro)

Gene: SYNE2 (spectrin repeat containing nuclear envelope protein 2; plus strand). Cytogenetic location: 14q23.2.
Variant type: single nucleotide variant.
Coding change: c.16631A>C on transcript NM_182914.3 (MANE Select); coding-DNA position 16631, A replaced by C.
Protein change: p.Gln5544Pro; replaces glutamine 5544 with proline.
Molecular consequence: missense variant.
Genome position (GRCh38, 1-based): chr14:64,167,258, A>C. VCF-style: chr14-64167258-A-C. GRCh37 (hg19) VCF-style: chr14-64633976-A-C.
Other names: c.16631A>C, p.Gln5544Pro (NM_015180.6); short protein forms Q5544P.
Identifiers: ClinVar variation 1439525 (VCV001439525.6), dbSNP rs753694030, ClinGen allele CA7223446.
Genomic context (GRCh38, chr14:64,167,258, plus strand): 5'-ATCCAAAAACCTGTACTTCAATTTTTTAAAAATAGAATCATGTGCTGGCACTGACAGCCC[A>C]ATCACCTGATATTGAACATTTGAATGAAGTGAGCCTCAAGCTCCCACTTAGTGACGTAGC-3'
Protein context (NP_878918.2, residues 5534-5554): FLNHVLALTA[Gln5544Pro]SPDIEHLNEV

ClinVar aggregate classification (germline): Uncertain significance (1 of 4 stars; one submission).

Conditions:
Emery-Dreifuss muscular dystrophy 5, autosomal dominant (EDMD5). Also called: EMERY-DREIFUSS MUSCULAR DYSTROPHY 5. Identifiers: Orphanet 261, MedGen C2751805, MONDO:0013072, OMIM 612999.

Allele frequency attached by ClinVar (database versions not stated): gnomAD 0.00001; TOPMed 0.00001; ExAC 0.00004.
gnomAD v4.1: 19 of 1,614,120 alleles (0.0012%); highest among the groups gnomAD compares: Non-Finnish European, 0.0014%; no homozygotes.

Submission:

Labcorp Genetics (formerly Invitae), Labcorp
Classification: Uncertain significance for Emery-Dreifuss muscular dystrophy 5, autosomal dominant. Last evaluated: 2021-09-04. Review status: criteria provided, single submitter. Criteria: Invitae Variant Classification Sherloc (09022015). Collection method: clinical testing. Allele origin: germline.
Comment: This sequence change replaces glutamine with proline at codon 5544 of the SYNE2 protein (p.Gln5544Pro). The glutamine residue is weakly conserved and there is a moderate physicochemical difference between glutamine and proline. This variant is present in population databases (rs753694030, ExAC 0.008%). This variant has not been reported in the literature in individuals affected with SYNE2-related conditions. Algorithms developed to predict the effect of missense changes on protein structure and function are either unavailable or do not agree on the potential impact of this missense change (SIFT: "Tolerated"; PolyPhen-2: "Possibly Damaging"; Align-GVGD: "Class C0"). In summary, the available evidence is currently insufficient to determine the role of this variant in disease. Therefore, it has been classified as a Variant of Uncertain Significance.